The following is an entry in ClinVar:

NM_000091.5(COL4A3):c.1863A>G (p.Gln621=)

Genes: COL4A3 (collagen type IV alpha 3 chain; plus strand), MFF-DT (MFF divergent transcript; minus strand). Cytogenetic location: 2q36.3.
Variant type: single nucleotide variant.
Coding change: c.1863A>G on transcript NM_000091.5 (MANE Select); coding-DNA position 1863, A replaced by G.
Protein change: p.Gln621=; no amino-acid change (glutamine 621 retained).
Molecular consequence: synonymous variant.
Genome position (GRCh38, 1-based): chr2:227,273,053, A>G. VCF-style: chr2-227273053-A-G. GRCh37 (hg19) VCF-style: chr2-228137769-A-G.
Identifiers: ClinVar variation 742400 (VCV000742400.19), dbSNP rs771390525, ClinGen allele CA2146774.

ClinVar aggregate classification (germline): Conflicting classifications of pathogenicity. Review status: criteria provided, conflicting classifications (1 of 4 stars). 6 submissions from 6 submitters: Uncertain significance (1); Likely benign (4). 1 of the submissions does not count toward it. Last evaluated 2025-12-13.

Conditions:
Autosomal recessive Alport syndrome (ATS2). Also called: ALPORT SYNDROME 2, AUTOSOMAL RECESSIVE; COL4A4 Alport Syndrome and Thin Basement Membrane Nephropathy; COL4A3-Related Nephropathy; Alport syndrome type 2. Identifiers: Orphanet 63, Orphanet 88919, MedGen C4746745, MONDO:0008762, OMIM 203780.
COL4A3-related disorder. Also called: COL4A3-related condition; COL4A3-Related Disorders.
Alport syndrome. Also called: Hemorrhagic familial nephritis; Hemorrhagic hereditary nephritis; Congenital hereditary hematuria. Identifiers: Orphanet 63, MedGen C1567741, MONDO:0018965.

Allele frequency attached by ClinVar (database versions not stated): gnomAD below 0.00001 and 0.00003; gnomAD exomes 0.00013 and 0.00022; ExAC 0.00023.
gnomAD v4.1: 198 of 1,614,026 alleles (0.012%); highest among the groups gnomAD compares: South Asian, 0.18%; 3 homozygotes.

Submissions (6):

Labcorp Genetics (formerly Invitae), Labcorp
Classification: Likely benign. Last evaluated: 2025-12-13. Review status: criteria provided, single submitter. Criteria: Invitae Variant Classification Sherloc (09022015). Collection method: clinical testing. Allele origin: germline.

PreventionGenetics, part of Exact Sciences
Classification: Likely benign for COL4A3-related condition. Last evaluated: 2025-07-14. Review status: criteria provided, single submitter. Criteria: ACMG Guidelines, 2015. Collection method: clinical testing. Allele origin: germline.
Comment: This variant is classified as likely benign based on ACMG/AMP sequence variant interpretation guidelines (Richards et al. 2015 PMID: 25741868, with internal and published modifications).

Blueprint Genetics
Classification: Likely benign. Last evaluated: 2024-01-19. Review status: criteria provided, single submitter. Criteria: ACMG Guidelines, 2015. Collection method: clinical testing. Allele origin: germline.

Pars Genome Lab
Classification: Likely benign for Autosomal recessive Alport syndrome. Last evaluated: 2021-05-18. Review status: criteria provided, single submitter. Criteria: ACMG Guidelines, 2015. Collection method: clinical testing. Allele origin: germline. Affected: no.

Illumina Laboratory Services, Illumina
Classification: Uncertain significance for Alport syndrome. Last evaluated: 2018-01-13. Review status: criteria provided, single submitter. Criteria: ICSL Variant Classification Criteria 13 December 2019. Collection method: clinical testing. Allele origin: germline.

Natera, Inc.
Classification: Uncertain significance for Alport syndrome. Last evaluated: 2020-01-24. Review status: no assertion criteria provided. Collection method: clinical testing. Allele origin: germline. Not counted in ClinVar's aggregate classification.